The following is an entry in ClinVar:

ClinVar aggregate classification (germline): Likely benign (0 of 4 stars; one submission).

Conditions:
MUC16-related disorder. Also called: MUC16-related condition.

Allele frequency attached by ClinVar (database versions not stated): TOPMed 0.00003; gnomAD exomes 0.00005; ExAC 0.00009; gnomAD 0.00009.

Submission:

PreventionGenetics, part of Exact Sciences
Classification: Likely benign for MUC16-related condition. Last evaluated: 2019-10-30. Review status: no assertion criteria provided. Collection method: clinical testing. Allele origin: germline.
Comment: This variant is classified as likely benign based on ACMG/AMP sequence variant interpretation guidelines (Richards et al. 2015 PMID: 25741868, with internal and published modifications).

NM_001401501.2(MUC16):c.3888C>T (p.His1296=)

Gene: MUC16 (mucin 16, cell surface associated; minus strand). Cytogenetic location: 19p13.2.
Variant type: single nucleotide variant.
Coding change: c.3888C>T on transcript NM_001401501.2 (MANE Select); coding-DNA position 3888, C replaced by T.
Protein change: p.His1296=; no amino-acid change (histidine 1296 retained).
Molecular consequence: synonymous variant.
Genome position (GRCh38, 1-based): chr19:8,977,371, G>A on the plus strand (C>T on the coding strand, the complement: MUC16 is on the minus strand). VCF-style: chr19-8977371-G-A. GRCh37 (hg19) VCF-style: chr19-9088047-G-A.
Other names: c.4314C>T, p.His1438= (NM_001414686.1); c.3768C>T, p.His1256= (NM_001414687.1, NM_024690.2).
Identifiers: ClinVar variation 3046266 (VCV003046266.2), dbSNP rs768903206, ClinGen allele CA9172950.